The following is an entry in ClinVar:

ClinVar aggregate classification (germline): Uncertain significance. Review status: criteria provided, multiple submitters, no conflicts (2 of 4 stars). 2 submissions from 2 submitters: Uncertain significance (2). Last evaluated 2026-05-26.

Allele frequency attached by ClinVar (database versions not stated): ExAC 0.00003.
gnomAD v4.1: 91 of 1,612,984 alleles (0.0056%); highest among the groups gnomAD compares: Non-Finnish European, 0.007%; 1 homozygote.

Submissions (2):

Women's Health and Genetics/Laboratory Corporation of America, LabCorp
Classification: Uncertain significance. Last evaluated: 2026-05-26. Review status: criteria provided, single submitter. Criteria: LabCorp Variant Classification Summary - May 2015. Collection method: clinical testing. Allele origin: germline.
Comment: Variant summary: AEBP1 c.1225G>A (p.Gly409Ser) results in a non-conservative amino acid change in the encoded protein sequence. Algorithms developed to predict the effect of missense changes on protein structure and function all suggest that this variant is likely to be disruptive. The variant allele was found at a frequency of 3.6e-05 in 250310 control chromosomes. The available data on variant occurrences in the general population are insufficient to allow any conclusion about variant significance. To our knowledge, no occurrence of c.1225G>A in individuals affected with AEBP1-related conditions and no experimental evidence demonstrating its impact on protein function have been reported. ClinVar contains an entry for this variant (Variation ID: 2155394). Based on the evidence outlined above, the variant was classified as uncertain significance.

Labcorp Genetics (formerly Invitae), Labcorp
Classification: Uncertain significance. Last evaluated: 2022-04-22. Review status: criteria provided, single submitter. Criteria: Invitae Variant Classification Sherloc (09022015). Collection method: clinical testing. Allele origin: germline.
Comment: This sequence change replaces glycine, which is neutral and non-polar, with serine, which is neutral and polar, at codon 409 of the AEBP1 protein (p.Gly409Ser). This variant is present in population databases (rs749154733, gnomAD 0.008%). This variant has not been reported in the literature in individuals affected with AEBP1-related conditions. Algorithms developed to predict the effect of missense changes on protein structure and function are either unavailable or do not agree on the potential impact of this missense change (SIFT: "Deleterious"; PolyPhen-2: "Probably Damaging"; Align-GVGD: "Class C0"). In summary, the available evidence is currently insufficient to determine the role of this variant in disease. Therefore, it has been classified as a Variant of Uncertain Significance.

NM_001129.5(AEBP1):c.1225G>A (p.Gly409Ser)

Gene: AEBP1 (AE binding protein 1; plus strand). Cytogenetic location: 7p13.
Variant type: single nucleotide variant.
Coding change: c.1225G>A on transcript NM_001129.5 (MANE Select); coding-DNA position 1225, G replaced by A.
Protein change: p.Gly409Ser; replaces glycine 409 with serine.
Molecular consequence: missense variant.
Genome position (GRCh38, 1-based): chr7:44,110,089, G>A. VCF-style: chr7-44110089-G-A. GRCh37 (hg19) VCF-style: chr7-44149688-G-A.
Other names: short protein forms G409S.
Identifiers: ClinVar variation 2155394 (VCV002155394.2), dbSNP rs749154733, ClinGen allele CA4237812.